The following is an entry in ClinVar:

NM_000531.6(OTC):c.363T>A (p.Asn121Lys)

Gene: OTC (ornithine transcarbamylase; plus strand). Cytogenetic location: Xp11.4.
Variant type: single nucleotide variant.
Coding change: c.363T>A on transcript NM_000531.6 (MANE Select); coding-DNA position 363, T replaced by A.
Protein change: p.Asn121Lys; replaces asparagine 121 with lysine.
Molecular consequence: missense variant.
Genome position (GRCh38, 1-based): chrX:38,381,406, T>A. VCF-style: chrX-38381406-T-A. GRCh37 (hg19) VCF-style: chrX-38240659-T-A.
Other names: c.363T>A, p.Asn121Lys (NM_001407092.1); short protein forms N121K.
Identifiers: ClinVar variation 2582085 (VCV002582085.2), dbSNP rs2519959233, ClinGen allele CA412718489.
Genomic context (GRCh38, chrX:38,381,406, plus strand): 5'-TGCACTTCTGGGAGGACATCCTTGTTTTCTTACCACACAAGATATTCATTTGGGTGTGAA[T>A]GAAAGTCTCACGGACACGGCCCGGTTTGTAAATATTTTCTTCTCTCCAAAGCTGATTTCA-3'
Protein context (NP_000522.3, residues 111-131): LTTQDIHLGV[Asn121Lys]ESLTDTARVL

ClinVar aggregate classification (germline): Uncertain significance (1 of 4 stars; one submission).

Submission:

GeneDx
Classification: Uncertain significance. Last evaluated: 2025-05-20. Review status: criteria provided, single submitter. Criteria: GeneDx Variant Classification Process June 2021. Collection method: clinical testing. Allele origin: germline. Affected: yes.
Comment: Not observed at significant frequency in large population cohorts (gnomAD); In silico analysis supports that this missense variant has a deleterious effect on protein structure/function; Has not been previously published as pathogenic or benign to our knowledge